The following is an entry in ClinVar:

NM_153682.3(PIGP):c.-22-15_-18dup

Gene: PIGP (phosphatidylinositol glycan anchor biosynthesis class P; minus strand). Cytogenetic location: 21q22.13.
Variant type: Duplication.
Coding change: c.-22-15_-18dup on transcript NM_153682.3 (MANE Select); 15 bases into the intron before 22 bases upstream of the start codon through 18 bases upstream of the start codon, 20 bases duplicated (GTTCCTTTTCCACAGATTGT).
Molecular consequence: splice acceptor variant. On other transcripts: frameshift variant (1).
Genome position (GRCh38, 1-based): chr21:37,072,533-37,072,552, ACAATCTGTGGAAAAGGAAC duplicated on the plus strand (GTTCCTTTTCCACAGATTGT on the coding strand, the reverse complement: PIGP is on the minus strand); duplicating any 20 consecutive bases within chr21:37,072,533-37,072,558 gives the same sequence; the c. name uses the placement nearest the transcript's 3' end. VCF-style (leftmost placement, unchanged base first): chr21-37072532-G-GACAATCTGTGGAAAAGGAAC. GRCh37 (hg19) VCF-style: chr21-38444832-G-GACAATCTGTGGAAAAGGAAC.
Other names: c.-266-15_-262dup (NM_016430.4); c.-22-15_-18dup (NM_001320480.2); c.36_55dup, p.Ser19fs (NM_153681.2); short protein forms S19fs.
Identifiers: ClinVar variation 666911 (VCV000666911.4), dbSNP rs769435671, ClinGen allele CA10021189.

ClinVar aggregate classification (germline): Uncertain significance (1 of 4 stars; one submission).

Submission:

Laboratory for Molecular Medicine, Mass General Brigham Personalized Medicine
Classification: Uncertain significance. Last evaluated: 2018-10-10. Review status: criteria provided, single submitter. Criteria: LMM Criteria. Collection method: clinical testing. Allele origin: germline. Observed: 1 variant allele.
Comment: The p.Ser19CysfsX34 variant in PIGP has not been previously reported in individu als with disease but has been identified in 2/9850 Ashkenazi Jewish chromosomes by gnomAD. This variant is predicted to cause a frameshift, which alters the protein?s amino acid sequence beginning at posit ion 19 and leads to a premature termination codon 34 amino acids downstream. Thi s alteration is then predicted to lead to a truncated or absent protein. However , the role of the PIGP gene in disease it not well understand. In summary, the c linical significance of the p.Ser19CysfsX34 variant is uncertain. ACMG/AMP crite ria applied: PM2